The following is an entry in ClinVar:

NM_024529.5(CDC73):c.111G>C (p.Lys37Asn)

Gene: CDC73 (cell division cycle 73; plus strand). Cytogenetic location: 1q31.2.
Variant type: single nucleotide variant.
Coding change: c.111G>C on transcript NM_024529.5 (MANE Select); coding-DNA position 111, G replaced by C.
Protein change: p.Lys37Asn; replaces lysine 37 with asparagine.
Molecular consequence: missense variant.
Genome position (GRCh38, 1-based): chr1:193,122,311, G>C. VCF-style: chr1-193122311-G-C. GRCh37 (hg19) VCF-style: chr1-193091441-G-C.
Other names: short protein forms K37N.
Identifiers: ClinVar variation 648670 (VCV000648670.1), dbSNP rs1355286253, ClinGen allele CA343972972.
Genomic context (GRCh38, chr1:193,122,311, plus strand): 5'-GATTGTGGTGAAGGGAGACGAAGTGATCTTCGGGGAGTTCTCCTGGCCCAAGAATGTGAA[G>C]ACCAACTATGTTGTTTGGGGGTAAGTCCGGCATGGCTGTGGCCCAGGGGTGGCAGGGCAG-3'
Protein context (NP_078805.3, residues 27-47): FGEFSWPKNV[Lys37Asn]TNYVVWGTGK

ClinVar aggregate classification (germline): Uncertain significance (1 of 4 stars; one submission).

Conditions:
Parathyroid carcinoma (PRTC). Also called: CDC73-Related Parathyroid Carcinoma; Parathyroid gland carcinoma. Identifiers: Orphanet 143, MedGen C0687150, MONDO:0012004, OMIM 608266, HP:0006780.

gnomAD v4.1: 1 of 1,614,180 alleles (0.000062%); highest among the groups gnomAD compares: Non-Finnish European, 0.000085%; no homozygotes.

Submission:

Labcorp Genetics (formerly Invitae), Labcorp
Classification: Uncertain significance for Parathyroid carcinoma. Last evaluated: 2018-11-18. Review status: criteria provided, single submitter. Criteria: Invitae Variant Classification Sherloc (09022015). Collection method: clinical testing. Allele origin: germline.
Comment: This sequence change replaces lysine with asparagine at codon 37 of the CDC73 protein (p.Lys37Asn). The lysine residue is moderately conserved and there is a moderate physicochemical difference between lysine and asparagine. This variant is not present in population databases (ExAC no frequency). This variant has not been reported in the literature in individuals with CDC73-related disease. Algorithms developed to predict the effect of missense changes on protein structure and function do not agree on the potential impact of this missense change (SIFT: "Tolerated"; PolyPhen-2: "Possibly Damaging"; Align-GVGD: "Class C0"). In summary, the available evidence is currently insufficient to determine the role of this variant in disease. Therefore, it has been classified as a Variant of Uncertain Significance.